The following is an entry in ClinVar:

ClinVar aggregate classification (germline): Likely benign (1 of 4 stars; one submission).

Conditions:
NPHP4-related disorder. Also called: NPHP4-related condition; NPHP4-related disorders. Identifiers: MedGen CN239384.

gnomAD v4.1: 34 of 1,611,268 alleles (0.0021%); highest among the groups gnomAD compares: Admixed American, 0.025%; no homozygotes.

Submission:

PreventionGenetics, part of Exact Sciences
Classification: Likely benign for NPHP4-related condition. Last evaluated: 2026-04-23. Review status: criteria provided, single submitter. Criteria: ACMG Guidelines, 2015. Collection method: clinical testing. Allele origin: germline.
Comment: This variant is classified as likely benign based on ACMG/AMP sequence variant interpretation guidelines (Richards et al. 2015 PMID: 25741868, with internal and published modifications).

NM_015102.5(NPHP4):c.3448C>T (p.Leu1150=)

Gene: NPHP4 (nephrocystin 4; minus strand). Cytogenetic location: 1p36.31.
Variant type: single nucleotide variant.
Coding change: c.3448C>T on transcript NM_015102.5 (MANE Select); coding-DNA position 3448, C replaced by T.
Protein change: p.Leu1150=; no amino-acid change (leucine 1150 retained).
Molecular consequence: synonymous variant. On other transcripts: non-coding transcript variant (1).
Genome position (GRCh38, 1-based): chr1:5,867,764, G>A on the plus strand (C>T on the coding strand, the complement: NPHP4 is on the minus strand). VCF-style: chr1-5867764-G-A. GRCh37 (hg19) VCF-style: chr1-5927824-G-A.
Other names: c.1909C>T, p.Leu637= (NM_001291593.2); c.1912C>T, p.Leu638= (NM_001291594.2).
Identifiers: ClinVar variation 4985320 (VCV004985320.1).